The following is an entry in ClinVar:

NM_001563.4(IMPG1):c.289T>C (p.Tyr97His)

Gene: IMPG1 (interphotoreceptor matrix proteoglycan 1; minus strand). Cytogenetic location: 6q14.1.
Variant type: single nucleotide variant.
Coding change: c.289T>C on transcript NM_001563.4 (MANE Select); coding-DNA position 289, T replaced by C.
Protein change: p.Tyr97His; replaces tyrosine 97 with histidine.
Molecular consequence: missense variant. On other transcripts: intron variant (1).
Genome position (GRCh38, 1-based): chr6:76,041,905, A>G on the plus strand (T>C on the coding strand, the complement: IMPG1 is on the minus strand). VCF-style: chr6-76041905-A-G. GRCh37 (hg19) VCF-style: chr6-76751622-A-G.
Other names: c.68-7118T>C (NM_001282368.2); short protein forms Y97H.
Identifiers: ClinVar variation 1961465 (VCV001961465.6), dbSNP rs201230378, ClinGen allele CA141676655.

ClinVar aggregate classification (germline): Uncertain significance. Review status: criteria provided, multiple submitters, no conflicts (2 of 4 stars). 2 submissions from 2 submitters: Uncertain significance (2). Last evaluated 2022-04-08.

Allele frequency attached by ClinVar (database versions not stated): gnomAD 0.00001; TOPMed 0.00001.
gnomAD v4.1: 13 of 1,597,710 alleles (0.00081%); highest among the groups gnomAD compares: Non-Finnish European, 0.001%; no homozygotes.

Submissions (2):

Labcorp Genetics (formerly Invitae), Labcorp
Classification: Uncertain significance. Last evaluated: 2022-04-08. Review status: criteria provided, single submitter. Criteria: Invitae Variant Classification Sherloc (09022015). Collection method: clinical testing. Allele origin: germline.
Comment: This variant is present in population databases (rs201230378, gnomAD 0.003%). This variant has not been reported in the literature in individuals affected with IMPG1-related conditions. Algorithms developed to predict the effect of missense changes on protein structure and function are either unavailable or do not agree on the potential impact of this missense change (SIFT: "Deleterious"; PolyPhen-2: "Probably Damaging"; Align-GVGD: "Class C0"). In summary, the available evidence is currently insufficient to determine the role of this variant in disease. Therefore, it has been classified as a Variant of Uncertain Significance. This sequence change replaces tyrosine, which is neutral and polar, with histidine, which is basic and polar, at codon 97 of the IMPG1 protein (p.Tyr97His).

Blueprint Genetics
Classification: Uncertain significance. Last evaluated: 2019-08-22. Review status: criteria provided, single submitter. Criteria: ACMG Guidelines, 2015. Collection method: clinical testing. Allele origin: germline.